The following is an entry in ClinVar:

ClinVar aggregate classification (germline): Uncertain significance (1 of 4 stars; one submission).

Conditions:
Juvenile polyposis syndrome (JPS). Identifiers: Orphanet 2929, MedGen C0345893, MONDO:0017380, OMIM 174900.

Submission:

Labcorp Genetics (formerly Invitae), Labcorp
Classification: Uncertain significance for Juvenile polyposis syndrome. Last evaluated: 2019-07-23. Review status: criteria provided, single submitter. Criteria: Invitae Variant Classification Sherloc (09022015). Collection method: clinical testing. Allele origin: germline.
Comment: In summary, the available evidence is currently insufficient to determine the role of this variant in disease. Therefore, it has been classified as a Variant of Uncertain Significance. Algorithms developed to predict the effect of missense changes on protein structure and function are either unavailable or do not agree on the potential impact of this missense change (SIFT: "Deleterious"; PolyPhen-2: "Probably Damaging"; Align-GVGD: "Class C0"). This variant has not been reported in the literature in individuals with BMPR1A-related conditions. This variant is not present in population databases (ExAC no frequency). This sequence change replaces valine with phenylalanine at codon 525 of the BMPR1A protein (p.Val525Phe). The valine residue is highly conserved and there is a small physicochemical difference between valine and phenylalanine.

NM_004329.3(BMPR1A):c.1573G>T (p.Val525Phe)

Gene: BMPR1A (bone morphogenetic protein receptor type 1A; plus strand). Cytogenetic location: 10q23.2.
Variant type: single nucleotide variant.
Coding change: c.1573G>T on transcript NM_004329.3 (MANE Select); coding-DNA position 1573, G replaced by T.
Protein change: p.Val525Phe; replaces valine 525 with phenylalanine.
Molecular consequence: missense variant.
Genome position (GRCh38, 1-based): chr10:86,923,693, G>T. VCF-style: chr10-86923693-G-T. GRCh37 (hg19) VCF-style: chr10-88683450-G-T.
Other names: short protein forms V525F.
Identifiers: ClinVar variation 937536 (VCV000937536.10), dbSNP rs769233029, ClinGen allele CA377464010.